The following is an entry in ClinVar:

ClinVar aggregate classification (germline): Conflicting classifications of pathogenicity. Review status: criteria provided, conflicting classifications (1 of 4 stars). 26 submissions from 23 submitters: Uncertain significance (2); Benign (3); Likely benign (15). 6 of the submissions do not count toward it. Last evaluated 2026-06-01.

Conditions:
Cardiovascular phenotype. Identifiers: MedGen CN230736.
Cardiac arrhythmia. Also called: Cardiac rhythm disease; Arrhythmia. Identifiers: MedGen C0003811, MONDO:0007263, HP:0011675.
Cardiomyopathy (CMYO). Also called: Cardiomyopathies. Identifiers: Orphanet 167848, MedGen C0878544, MONDO:0004994, HP:0001638. Inheritance: Various modes of inheritance.
Long QT syndrome (LQTS). Identifiers: MedGen C0023976, MeSH D008133, MONDO:0002442. Disease mechanism: loss of function. Inheritance: Various modes of inheritance.
Long QT syndrome 1 (LQT1). Identifiers: Orphanet 101016, Orphanet 768, MedGen C4551647, MONDO:0100316, OMIM 192500, MONDO:0008646.
Short QT syndrome type 2. Identifiers: Orphanet 51083, MedGen C1865019, MONDO:0012313, OMIM 609621.
Atrial fibrillation, familial, 3 (ATFB3). Identifiers: MedGen C1837014, MONDO:0011857, OMIM 607554.
Jervell and Lange-Nielsen syndrome 1 (JLNS1). Also called: CARDIOAUDITORY SYNDROME OF JERVELL AND LANGE-NIELSEN; DEAFNESS, CONGENITAL, AND FUNCTIONAL HEART DISEASE; PROLONGED QT INTERVAL IN EKG AND SUDDEN DEATH; SURDO-CARDIAC SYNDROME. Identifiers: Orphanet 768, Orphanet 90647, MedGen C4551509, MONDO:0024540, OMIM 220400.

Allele frequency attached by ClinVar (database versions not stated): ESP Exome Variant Server 0.00069; gnomAD exomes 0.00078 and 0.00109; ExAC 0.00110; 1000 Genomes Project 30x 0.00047; gnomAD 0.00053 and 0.00060; 1000 Genomes Project 0.00060; TOPMed 0.00065.
gnomAD v4.1: 1,257 of 1,613,974 alleles (0.078%); highest among the groups gnomAD compares: Middle Eastern, 0.79%; 4 homozygotes.

Submissions 1 to 18 of 26:

CeGaT Center for Human Genetics Tuebingen
Classification: Likely benign. Last evaluated: 2026-06-01. Review status: criteria provided, single submitter. Criteria: CeGaT Center For Human Genetics Tuebingen Variant Classification Criteria Version 2. Collection method: clinical testing. Allele origin: germline. Affected: yes. Observed: 21 variant alleles.
Comment: KCNQ1: BS2

Labcorp Genetics (formerly Invitae), Labcorp
Classification: Benign for Long QT syndrome. Last evaluated: 2026-01-27. Review status: criteria provided, single submitter. Criteria: Invitae Variant Classification Sherloc (09022015). Collection method: clinical testing. Allele origin: germline.

GeneDx
Classification: Likely benign. Last evaluated: 2025-06-10. Review status: criteria provided, single submitter. Criteria: GeneDx Variant Classification Process June 2021. Collection method: clinical testing. Allele origin: germline. Affected: yes.
Comment: See Variant Classification Assertion Criteria.

Molecular Diagnostic Laboratory for Inherited Cardiovascular Disease, Montreal Heart Institute
Classification: Likely benign. Last evaluated: 2025-04-09. Review status: criteria provided, single submitter. Criteria: ACMG Guidelines, 2015. Collection method: clinical testing. Allele origin: germline. Affected: no.

Blueprint Genetics
Classification: Likely benign. Last evaluated: 2024-11-13. Review status: criteria provided, single submitter. Criteria: ACMG Guidelines, 2015. Collection method: clinical testing. Allele origin: germline.

All of Us Research Program, National Institutes of Health
Classification: Likely benign for Long QT syndrome. Last evaluated: 2024-09-27. Review status: criteria provided, single submitter. Criteria: ACMG Guidelines, 2015. Collection method: clinical testing. Allele origin: germline. Inheritance: Autosomal dominant inheritance. Observed: 315 variant alleles, 315 heterozygotes.
Comment: This study involves interpretation of variants in research participants for the purpose of population health screening. Participant phenotype was not available at the time of variant classification. Additional details can be found in publication PMID: 35346344, PMCID: PMC8962531

Dept of Medical Biology, Uskudar University
Classification: Uncertain significance for Long QT syndrome. Last evaluated: 2024-01-08. Review status: criteria provided, single submitter. Criteria: Dept of Medical Biology Variant Classification. Collection method: research. Allele origin: maternal. Affected: yes. Observed: 2 variant alleles.
Comment: Criteria: BS1

ARUP Laboratories, Molecular Genetics and Genomics, ARUP Laboratories
Classification: Likely benign. Last evaluated: 2023-09-14. Review status: criteria provided, single submitter. Criteria: ARUP Molecular Germline Variant Investigation Process 2024. Collection method: clinical testing. Allele origin: germline.

Institute of Human Genetics, University of Leipzig Medical Center
Classification: Likely benign for Long QT syndrome 1. Last evaluated: 2019-01-01. Review status: criteria provided, single submitter. Criteria: ACMG Guidelines, 2015. Collection method: clinical testing. Allele origin: unknown. Affected: yes.

Ambry Genetics
Classification: Likely benign for Cardiovascular phenotype. Last evaluated: 2018-09-22. Review status: criteria provided, single submitter. Criteria: Ambry Variant Classification Scheme 2023. Collection method: clinical testing. Allele origin: germline.

Color Diagnostics, LLC DBA Color Health
Classification: Likely benign for Arrhythmia. Last evaluated: 2018-03-16. Review status: criteria provided, single submitter. Criteria: ACMG Guidelines, 2015. Collection method: clinical testing. Allele origin: germline.

Women's Health and Genetics/Laboratory Corporation of America, LabCorp
Classification: Likely benign. Last evaluated: 2017-10-16. Review status: criteria provided, single submitter. Criteria: LabCorp Variant Classification Summary - May 2015. Collection method: clinical testing. Allele origin: germline.
Comment: Variant summary: The KCNQ1 c.1179G>T (p.Lys393Asn) variant involves the alteration of a non-conserved nucleotide. 3/4 in silico tools predict a damaging outcome for this variant (SNPsandGO not captured due to low reliability index). This variant was found in 292/277174 control chromosomes, including 1 homozygous individual, predominantly observed in the Ashkenazi Jewish subpopulation at a frequency of 0.00266 (27/10152). This frequency is about 27 times the estimated maximal expected allele frequency of a pathogenic KCNQ1 variant (0.0001), suggesting this is likely a benign polymorphism found primarily in the populations of Ashkenazi Jewish origin. In addition, multiple clinical diagnostic laboratories/reputable databases classified this variant as likely benign. Taken together, this variant is classified as likely benign.

Center for Advanced Laboratory Medicine, UC San Diego Health, University of California San Diego
Classification: Benign for Cardiomyopathy. Last evaluated: 2017-08-30. Review status: criteria provided, single submitter. Criteria: ACMG Guidelines, 2015. Collection method: clinical testing. Allele origin: germline. Affected: yes. Observed: 1 variant allele.

Laboratory for Molecular Medicine, Mass General Brigham Personalized Medicine
Classification: Likely benign. Last evaluated: 2017-07-20. Review status: criteria provided, single submitter. Criteria: LMM Criteria. Collection method: clinical testing. Allele origin: germline. Observed: 5 variant alleles.
Comment: p.Lys393Asn in exon 9 of KCNQ1: This variant is not expected to have clinical si gnificance because it has been reported in the literature in both control and cl inical cohorts (Ackerman 2003, Moss 2007, Guidicessi 2012, Crotti 2013). In addi tion, this variant has been identified in 0.3% (27/10152) of Ashkenazi Jewish ch romosomes and 0.2% (52/30782) of South Asian chromosomes including 1 homozygote by the Genome Aggregation Database (gnomAD; db SNP rs12720457). Studies have shown that the p.Lys393Asn variant does not impact protein function (Shamgar 2006). Furthermore, the lysine (Lys) at amino acid po sition 393 is not conserved across species, including mammals. Of note, cat has an asparagine (Asn) at this position despite high nearby amino acid conservation . Additional computational analyses do not suggest a high likelihood of impact t o the protein. In summary, this variant is classified as likely benign based on the available data.

Illumina Laboratory Services, Illumina
Classification: Likely benign for Jervell and Lange-Nielsen syndrome 1. Last evaluated: 2017-04-27. Review status: criteria provided, single submitter. Criteria: ICSL Variant Classification Criteria 13 December 2019. Collection method: clinical testing. Allele origin: germline.
Comment: This variant was observed as part of a predisposition screen in an ostensibly healthy population. A literature search was performed for the gene, cDNA change, and amino acid change (where applicable). No publications were found based on this search. Allele frequency data from public databases allowed determination this variant is unlikely to cause disease. Therefore, this variant is classified as likely benign.

Illumina Laboratory Services, Illumina
Classification: Likely benign for Long QT syndrome 1. Last evaluated: 2017-04-27. Review status: criteria provided, single submitter. Criteria: ICSL Variant Classification Criteria 13 December 2019. Collection method: clinical testing. Allele origin: germline.
Comment: This variant was observed as part of a predisposition screen in an ostensibly healthy population. A literature search was performed for the gene, cDNA change, and amino acid change (where applicable). Publications were found based on this search. The evidence from the literature, in combination with allele frequency data from public databases where available, was sufficient to determine this variant is unlikely to cause disease. Therefore, this variant is classified as likely benign.

Illumina Laboratory Services, Illumina
Classification: Likely benign for Short QT syndrome type 2. Last evaluated: 2017-04-27. Review status: criteria provided, single submitter. Criteria: ICSL Variant Classification Criteria 13 December 2019. Collection method: clinical testing. Allele origin: germline.
Comment: the same text as in the submission from Illumina Laboratory Services, Illumina above.

Illumina Laboratory Services, Illumina
Classification: Likely benign for Atrial fibrillation, familial, 3. Last evaluated: 2017-04-27. Review status: criteria provided, single submitter. Criteria: ICSL Variant Classification Criteria 13 December 2019. Collection method: clinical testing. Allele origin: germline.
Comment: the same text as in the submission from Illumina Laboratory Services, Illumina above.

NM_000218.3(KCNQ1):c.1179G>T (p.Lys393Asn)

Gene: KCNQ1 (potassium voltage-gated channel subfamily Q member 1; plus strand). Cytogenetic location: 11p15.5.
Variant type: single nucleotide variant.
Coding change: c.1179G>T on transcript NM_000218.3 (MANE Select); coding-DNA position 1179, G replaced by T.
Protein change: p.Lys393Asn; replaces lysine 393 with asparagine.
Molecular consequence: missense variant.
Genome position (GRCh38, 1-based): chr11:2,587,620, G>T. VCF-style: chr11-2587620-G-T. GRCh37 (hg19) VCF-style: chr11-2608850-G-T.
Other names: p.K393N:AAG>AAT; c.1179G>T (LRG_287t1); c.1083G>T, p.Lys361Asn (NM_001406836.1); c.909G>T, p.Lys303Asn (NM_001406837.1); c.639G>T, p.Lys213Asn (NM_001406838.1); c.798G>T, p.Lys266Asn (NM_181798.2); short protein forms K393N, K266N, K213N, K303N, K361N.
Identifiers: ClinVar variation 67020 (VCV000067020.85), dbSNP rs12720457, ClinGen allele CA005477.